The following is an entry in ClinVar:

NM_000218.3(KCNQ1):c.618C>T (p.Val206=)

Gene: KCNQ1 (potassium voltage-gated channel subfamily Q member 1; plus strand). Cytogenetic location: 11p15.5.
Variant type: single nucleotide variant.
Coding change: c.618C>T on transcript NM_000218.3 (MANE Select); coding-DNA position 618, C replaced by T.
Protein change: p.Val206=; no amino-acid change (valine 206 retained).
Molecular consequence: synonymous variant. On other transcripts: intron variant (1).
Genome position (GRCh38, 1-based): chr11:2,571,338, C>T. VCF-style: chr11-2571338-C-T. GRCh37 (hg19) VCF-style: chr11-2592568-C-T.
Other names: c.618C>T, p.Val206= (NM_001406836.1); c.348C>T, p.Val116= (NM_001406837.1); c.237C>T, p.Val79= (NM_181798.2); c.478-12097C>T (NM_001406838.1).
Identifiers: ClinVar variation 703356 (VCV000703356.16), dbSNP rs772565627, ClinGen allele CA039148.

ClinVar aggregate classification (germline): Likely benign. Review status: criteria provided, multiple submitters, no conflicts (2 of 4 stars). 4 submissions from 4 submitters: Likely benign (4). Last evaluated 2026-01-02.

Conditions:
Long QT syndrome (LQTS). Identifiers: MedGen C0023976, MeSH D008133, MONDO:0002442. Disease mechanism: loss of function. Inheritance: Various modes of inheritance.
Cardiovascular phenotype. Identifiers: MedGen CN230736.
Cardiac arrhythmia. Also called: Arrhythmia; Cardiac rhythm disease. Identifiers: MedGen C0003811, MONDO:0007263, HP:0011675.

Allele frequency attached by ClinVar (database versions not stated): TOPMed below 0.00001; ExAC 0.00002; gnomAD exomes 0.00002; gnomAD 0.00003.
gnomAD v4.1: 14 of 1,613,248 alleles (0.00087%); highest among the groups gnomAD compares: South Asian, 0.0088%; no homozygotes.

Submissions (4):

Labcorp Genetics (formerly Invitae), Labcorp
Classification: Likely benign for Long QT syndrome. Last evaluated: 2026-01-02. Review status: criteria provided, single submitter. Criteria: Invitae Variant Classification Sherloc (09022015). Collection method: clinical testing. Allele origin: germline.

Ambry Genetics
Classification: Likely benign for Cardiovascular phenotype. Last evaluated: 2024-02-05. Review status: criteria provided, single submitter. Criteria: Ambry Variant Classification Scheme 2023. Collection method: clinical testing. Allele origin: germline.

All of Us Research Program, National Institutes of Health
Classification: Likely benign for Long QT syndrome. Last evaluated: 2023-08-15. Review status: criteria provided, single submitter. Criteria: ACMG Guidelines, 2015. Collection method: clinical testing. Allele origin: germline. Inheritance: Autosomal dominant inheritance. Observed: 1 variant allele, 1 heterozygote.
Comment: This study involves interpretation of variants in research participants for the purpose of population health screening. Participant phenotype was not available at the time of variant classification. Additional details can be found in publication PMID: 35346344, PMCID: PMC8962531

Color Diagnostics, LLC DBA Color Health
Classification: Likely benign for Cardiac arrhythmia. Last evaluated: 2021-09-21. Review status: criteria provided, single submitter. Criteria: ACMG Guidelines, 2015. Collection method: clinical testing. Allele origin: germline.